The following is an entry in ClinVar:

NM_000256.3(MYBPC3):c.3355T>C (p.Tyr1119His)

Gene: MYBPC3 (myosin binding protein C3; minus strand). Cytogenetic location: 11p11.2.
Variant type: single nucleotide variant.
Coding change: c.3355T>C on transcript NM_000256.3 (MANE Select); coding-DNA position 3355, T replaced by C.
Protein change: p.Tyr1119His; replaces tyrosine 1119 with histidine.
Molecular consequence: missense variant.
Genome position (GRCh38, 1-based): chr11:47,332,949, A>G on the plus strand (T>C on the coding strand, the complement: MYBPC3 is on the minus strand). VCF-style: chr11-47332949-A-G. GRCh37 (hg19) VCF-style: chr11-47354500-A-G.
Other names: short protein forms Y1119H.
Identifiers: ClinVar variation 924825 (VCV000924825.5), dbSNP rs2095878685, ClinGen allele CA380313823.

ClinVar aggregate classification (germline): Uncertain significance. Review status: criteria provided, multiple submitters, no conflicts (2 of 4 stars). 2 submissions from 2 submitters: Uncertain significance (2). Last evaluated 2025-05-11.

Conditions:
Hypertrophic cardiomyopathy. Also called: HYPERTROPHIC MYOCARDIOPATHY. Identifiers: Orphanet 217569, MedGen C0007194, MeSH D002312, MONDO:0005045, HP:0001639.
Cardiomyopathy (CMYO). Also called: Cardiomyopathies. Identifiers: Orphanet 167848, MedGen C0878544, MONDO:0004994, HP:0001638. Inheritance: Various modes of inheritance.

Submissions (2):

Labcorp Genetics (formerly Invitae), Labcorp
Classification: Uncertain significance for Hypertrophic cardiomyopathy. Last evaluated: 2025-05-11. Review status: criteria provided, single submitter. Criteria: Invitae Variant Classification Sherloc (09022015). Collection method: clinical testing. Allele origin: germline.
Comment: This sequence change replaces tyrosine, which is neutral and polar, with histidine, which is basic and polar, at codon 1119 of the MYBPC3 protein (p.Tyr1119His). This variant is not present in population databases (gnomAD no frequency). This variant has not been reported in the literature in individuals affected with MYBPC3-related conditions. ClinVar contains an entry for this variant (Variation ID: 924825). An algorithm developed to predict the effect of missense changes on protein structure and function (PolyPhen-2) suggests that this variant is likely to be disruptive. In summary, the available evidence is currently insufficient to determine the role of this variant in disease. Therefore, it has been classified as a Variant of Uncertain Significance.

Color Diagnostics, LLC DBA Color Health
Classification: Uncertain significance for Cardiomyopathy. Last evaluated: 2024-03-06. Review status: criteria provided, single submitter. Criteria: ACMG Guidelines, 2015. Collection method: clinical testing. Allele origin: germline.
Comment: This missense variant replaces tyrosine with histidine at codon 1119 of the MYBPC3 protein. Computational prediction tool suggests that this variant may have deleterious impact on protein structure and function (internally defined REVEL score threshold >=0.7, PMID: 27666373). Splice site prediction tools suggest that this variant may not impact RNA splicing. To our knowledge, functional studies have not been performed for this variant. This variant has not been reported in individuals affected with cardiovascular disorders in the literature. This variant has not been identified in the general population by the Genome Aggregation Database (gnomAD). The available evidence is insufficient to determine the role of this variant in disease conclusively. Therefore, this variant is classified as a Variant of Uncertain Significance.